The following is an entry in ClinVar:

NM_002439.5(MSH3):c.855A>G (p.Ile285Met)

Gene: MSH3 (mutS homolog 3; plus strand). Cytogenetic location: 5q14.1.
Variant type: single nucleotide variant.
Coding change: c.855A>G on transcript NM_002439.5 (MANE Select); coding-DNA position 855, A replaced by G.
Protein change: p.Ile285Met; replaces isoleucine 285 with methionine.
Molecular consequence: missense variant.
Genome position (GRCh38, 1-based): chr5:80,672,306, A>G. VCF-style: chr5-80672306-A-G. GRCh37 (hg19) VCF-style: chr5-79968125-A-G.
Other names: short protein forms I285M.
Identifiers: ClinVar variation 3398677 (VCV003398677.2).

ClinVar aggregate classification (germline): Uncertain significance. Review status: criteria provided, multiple submitters, no conflicts (2 of 4 stars). 2 submissions from 2 submitters: Uncertain significance (2). Last evaluated 2025-05-21.

Conditions:
Hereditary cancer-predisposing syndrome. Also called: Hereditary Cancer Syndrome; Tumor predisposition; Hereditary neoplastic syndrome; Neoplastic Syndromes, Hereditary. Identifiers: Orphanet 140162, MedGen C0027672, MeSH D009386, MONDO:0015356.

Submissions (2):

Labcorp Genetics (formerly Invitae), Labcorp
Classification: Uncertain significance. Last evaluated: 2025-05-21. Review status: criteria provided, single submitter. Criteria: Invitae Variant Classification Sherloc (09022015). Collection method: clinical testing. Allele origin: germline.
Comment: This sequence change replaces isoleucine, which is neutral and non-polar, with methionine, which is neutral and non-polar, at codon 285 of the MSH3 protein (p.Ile285Met). This variant is not present in population databases (gnomAD no frequency). This variant has not been reported in the literature in individuals affected with MSH3-related conditions. ClinVar contains an entry for this variant (Variation ID: 3398677). An algorithm developed to predict the effect of missense changes on protein structure and function (PolyPhen-2) suggests that this variant is likely to be disruptive. In summary, the available evidence is currently insufficient to determine the role of this variant in disease. Therefore, it has been classified as a Variant of Uncertain Significance.

Ambry Genetics
Classification: Uncertain significance for Hereditary cancer-predisposing syndrome. Last evaluated: 2024-09-25. Review status: criteria provided, single submitter. Criteria: Ambry Variant Classification Scheme 2023. Collection method: clinical testing. Allele origin: germline.
Comment: The p.I285M variant (also known as c.855A>G), located in coding exon 5 of the MSH3 gene, results from an A to G substitution at nucleotide position 855. The isoleucine at codon 285 is replaced by methionine, an amino acid with highly similar properties. This amino acid position is highly conserved in available vertebrate species. In addition, this alteration is predicted to be deleterious by in silico analysis. Based on the available evidence, the clinical significance of this variant remains unclear.